The following is an entry in ClinVar:

NM_001379659.1(ZNF142):c.3222C>T (p.Ser1074=)

Gene: ZNF142 (zinc finger protein 142; minus strand). Cytogenetic location: 2q35.
Variant type: single nucleotide variant.
Coding change: c.3222C>T on transcript NM_001379659.1 (MANE Select); coding-DNA position 3222, C replaced by T.
Protein change: p.Ser1074=; no amino-acid change (serine 1074 retained).
Molecular consequence: synonymous variant.
Genome position (GRCh38, 1-based): chr2:218,643,894, G>A on the plus strand (C>T on the coding strand, the complement: ZNF142 is on the minus strand). VCF-style: chr2-218643894-G-A. GRCh37 (hg19) VCF-style: chr2-219508617-G-A.
Other names: c.2622C>T, p.Ser874= (NM_001105537.5, NM_001366291.3, NM_001379662.1); c.2133C>T, p.Ser711= (NM_001366287.3, NM_001366288.3, NM_001366289.3); c.3222C>T, p.Ser1074= (NM_001366290.3, NM_001379660.1, NM_001379661.1).
Identifiers: ClinVar variation 4873988 (VCV004873988.2).

ClinVar aggregate classification (germline): Likely benign (1 of 4 stars; one submission).

gnomAD v4.1: 5 of 1,614,066 alleles (0.00031%); highest among the groups gnomAD compares: South Asian, 0.0011%; no homozygotes.

Submission:

CeGaT Center for Human Genetics Tuebingen
Classification: Likely benign. Last evaluated: 2026-06-01. Review status: criteria provided, single submitter. Criteria: CeGaT Center For Human Genetics Tuebingen Variant Classification Criteria Version 2. Collection method: clinical testing. Allele origin: germline. Affected: yes. Observed: 1 variant allele.
Comment: ZNF142: BP4, BP7